The following is an entry in ClinVar:

ClinVar aggregate classification (germline): Likely benign (1 of 4 stars; one submission).

Allele frequency attached by ClinVar (database versions not stated): ExAC 0.00352.

Submission:

CeGaT Center for Human Genetics Tuebingen
Classification: Likely benign. Last evaluated: 2025-09-01. Review status: criteria provided, single submitter. Criteria: CeGaT Center For Human Genetics Tuebingen Variant Classification Criteria Version 2. Collection method: clinical testing. Allele origin: germline. Affected: yes. Observed: 10 variant alleles.
Comment: IVL: BP4, BP7

NM_005547.4(IVL):c.513A>G (p.Gly171=)

Gene: IVL (involucrin; plus strand). Cytogenetic location: 1q21.3.
Variant type: single nucleotide variant.
Coding change: c.513A>G on transcript NM_005547.4 (MANE Select); coding-DNA position 513, A replaced by G.
Protein change: p.Gly171=; no amino-acid change (glycine 171 retained).
Molecular consequence: synonymous variant.
Genome position (GRCh38, 1-based): chr1:152,910,310, A>G. VCF-style: chr1-152910310-A-G. GRCh37 (hg19) VCF-style: chr1-152882786-A-G.
Identifiers: ClinVar variation 2639342 (VCV002639342.24), dbSNP rs11205135, ClinGen allele CA1112669.